The following is an entry in ClinVar:

ClinVar aggregate classification (germline): Benign/Likely benign. Review status: criteria provided, multiple submitters, no conflicts (2 of 4 stars). 5 submissions from 5 submitters: Benign (3); Likely benign (2). Last evaluated 2026-09-01.

Conditions:
Trichohepatoenteric syndrome 2 (THES2). Identifiers: Orphanet 84064, MedGen C3281289, MONDO:0013818, OMIM 614602.

Allele frequency attached by ClinVar (database versions not stated): 1000 Genomes Project 30x 0.00078; 1000 Genomes Project 0.00100; ExAC 0.00320; TOPMed 0.00325; gnomAD 0.00350 and 0.00314; ESP Exome Variant Server 0.00356; gnomAD exomes 0.00400 and 0.00302.
gnomAD v4.1: 6,291 of 1,610,566 alleles (0.39%); highest among the groups gnomAD compares: Middle Eastern, 0.92%; 29 homozygotes.

Submissions (5):

CeGaT Center for Human Genetics Tuebingen
Classification: Likely benign. Last evaluated: 2026-09-01. Review status: criteria provided, single submitter. Criteria: CeGaT Center For Human Genetics Tuebingen Variant Classification Criteria Version 2. Collection method: clinical testing. Allele origin: germline. Affected: yes. Observed: 12 variant alleles.
Comment: SKIC2: BP4, BP7, BS2

Labcorp Genetics (formerly Invitae), Labcorp
Classification: Benign. Last evaluated: 2026-02-02. Review status: criteria provided, single submitter. Criteria: Invitae Variant Classification Sherloc (09022015). Collection method: clinical testing. Allele origin: germline.

Mayo Clinic Laboratories, Mayo Clinic
Classification: Benign. Last evaluated: 2024-01-19. Review status: criteria provided, single submitter. Criteria: ACMG Guidelines, 2015. Collection method: clinical testing. Allele origin: germline. Observed: 6 variant alleles.
Comment: BS1, BS2, BP4, BP7

Fulgent Genetics
Classification: Likely benign for Trichohepatoenteric syndrome 2. Last evaluated: 2021-11-10. Review status: criteria provided, single submitter. Criteria: ACMG Guidelines, 2015. Collection method: clinical testing. Allele origin: unknown.

Illumina Laboratory Services, Illumina
Classification: Benign for Trichohepatoenteric syndrome 2. Last evaluated: 2017-04-27. Review status: criteria provided, single submitter. Criteria: ICSL Variant Classification Criteria 13 December 2019. Collection method: clinical testing. Allele origin: germline.
Comment: This variant was observed as part of a predisposition screen in an ostensibly healthy population. A literature search was performed for the gene, cDNA change, and amino acid change (where applicable). No publications were found based on this search. Allele frequency data from public databases was too high to be consistent with this variant causing disease. Therefore, this variant is classified as benign.

NM_006929.5(SKIC2):c.2574G>A (p.Val858=)

Gene: SKIC2 (SKI2 subunit of superkiller complex; plus strand). Cytogenetic location: 6p21.33.
Variant type: single nucleotide variant.
Coding change: c.2574G>A on transcript NM_006929.5 (MANE Select); coding-DNA position 2574, G replaced by A.
Protein change: p.Val858=; no amino-acid change (valine 858 retained).
Molecular consequence: synonymous variant.
Genome position (GRCh38, 1-based): chr6:31,967,368, G>A. VCF-style: chr6-31967368-G-A. GRCh37 (hg19) VCF-style: chr6-31935145-G-A.
Other names: p.Val858=.
Identifiers: ClinVar variation 906409 (VCV000906409.45), dbSNP rs139281450, ClinGen allele CA3729810.